The following is an entry in ClinVar:

NM_004064.5(CDKN1B):c.*610T>A

Gene: CDKN1B (cyclin dependent kinase inhibitor 1B; plus strand). Cytogenetic location: 12p13.1.
Variant type: single nucleotide variant.
Coding change: c.*610T>A on transcript NM_004064.5 (MANE Select); 610 bases downstream of the stop codon, T replaced by A.
Molecular consequence: 3 prime UTR variant.
Genome position (GRCh38, 1-based): chr12:12,721,637, T>A. VCF-style: chr12-12721637-T-A. GRCh37 (hg19) VCF-style: chr12-12874571-T-A.
Identifiers: ClinVar variation 307683 (VCV000307683.5), dbSNP rs4251698, ClinGen allele CA10640534.

ClinVar aggregate classification (germline): Benign (1 of 4 stars; one submission).

Conditions:
Multiple endocrine neoplasia type 4. Also called: MULTIPLE ENDOCRINE NEOPLASIA, TYPE IV. Identifiers: Orphanet 276152, MedGen C1970712, MONDO:0012552, OMIM 610755.

Allele frequency attached by ClinVar (database versions not stated): TOPMed 0.02721; 1000 Genomes Project 0.02796; 1000 Genomes Project 30x 0.02983.

Submission:

Illumina Laboratory Services, Illumina
Classification: Benign for Multiple endocrine neoplasia type 4. Last evaluated: 2018-01-13. Review status: criteria provided, single submitter. Criteria: ICSL Variant Classification Criteria 13 December 2019. Collection method: clinical testing. Allele origin: germline.
Comment: This variant was observed in the ICSL laboratory as part of a predisposition screen in an ostensibly healthy population. It had not been previously curated by ICSL or reported in the Human Gene Mutation Database (HGMD: prior to June 1st, 2018), and was therefore a candidate for classification through an automated scoring system. Utilizing variant allele frequency, disease prevalence and penetrance estimates, and inheritance mode, an automated score was calculated to assess if this variant is too frequent to cause the disease. Based on the score and internal cut-off values, a variant classified as benign is not then subjected to further curation. The score for this variant resulted in a classification of benign for this disease.